The following is an entry in ClinVar:

NM_003361.4(UMOD):c.305C>T (p.Pro102Leu)

Gene: UMOD (uromodulin; minus strand). Cytogenetic location: 16p12.3.
Variant type: single nucleotide variant.
Coding change: c.305C>T on transcript NM_003361.4 (MANE Select); coding-DNA position 305, C replaced by T.
Protein change: p.Pro102Leu; replaces proline 102 with leucine.
Molecular consequence: missense variant. On other transcripts: non-coding transcript variant (1).
Genome position (GRCh38, 1-based): chr16:20,348,996, G>A on the plus strand (C>T on the coding strand, the complement: UMOD is on the minus strand). VCF-style: chr16-20348996-G-A. GRCh37 (hg19) VCF-style: chr16-20360318-G-A.
Other names: c.305C>T, p.Pro102Leu (NM_001378233.1, NM_001378234.1, NM_001378235.1 and 3 more transcripts); c.404C>T, p.Pro135Leu (NM_001278614.2); short protein forms P102L, P135L.
Identifiers: ClinVar variation 4293808 (VCV004293808.1).
Genomic context (GRCh38, chr16:20,348,996, plus strand): 5'-GCGTGGCAGTGGCTAAGCCCAGGCTCAGCGCACTCATCCACGTCTGTGCAGCCGAGACCG[G>A]GCGACAGGCGGAAGCCTTCGGGGCAGACGCAGGAGAAGGAGCCTGGCGTGTTTACGCAGC-3'
Protein context (NP_003352.2, residues 92-112): CVCPEGFRLS[Pro102Leu]GLGCTDVDEC

ClinVar aggregate classification (germline): Uncertain significance (1 of 4 stars; one submission).

Conditions:
Familial juvenile hyperuricemic nephropathy type 1 (ADTKD1). Also called: Autosomal Dominant Tubulointerstitial Kidney Disease – UMOD; UMOD-Associated Kidney Disease; Uromodulin-associated kidney disease; Glomerulocystic kidney disease with hyperuricemia and isosthenuria; Medullary cystic kidney disease 2. Identifiers: Orphanet 209886, Orphanet 34149, Orphanet 88950, MedGen C4551496, MONDO:0008073, OMIM 162000.

Submission:

3billion
Classification: Uncertain significance for Familial juvenile hyperuricemic nephropathy type 1. Last evaluated: 2024-06-22. Review status: criteria provided, single submitter. Criteria: ACMG Guidelines, 2015. Collection method: clinical testing. Allele origin: germline. Affected: yes.
Comment: The variant is not observed in the gnomAD v4.0.0 dataset. Predicted Consequence/Location: Missense changes are a common disease-causing mechanism. In silico tool predictions suggest damaging effect of the variant on gene or gene product [3Cnet: 0.94 (>=0.6, sensitivity 0.72 and precision 0.9)]. Therefore, this variant is classified as VUS according to the recommendation of ACMG/AMP guideline.